The following is an entry in ClinVar:

NM_000204.5(CFI):c.758A>C (p.Glu253Ala)

Gene: CFI (complement factor I; minus strand). Cytogenetic location: 4q25.
Variant type: single nucleotide variant.
Coding change: c.758A>C on transcript NM_000204.5 (MANE Select); coding-DNA position 758, A replaced by C.
Protein change: p.Glu253Ala; replaces glutamic acid 253 with alanine.
Molecular consequence: missense variant. On other transcripts: non-coding transcript variant (3).
Genome position (GRCh38, 1-based): chr4:109,760,537, T>G on the plus strand (A>C on the coding strand, the complement: CFI is on the minus strand). VCF-style: chr4-109760537-T-G. GRCh37 (hg19) VCF-style: chr4-110681693-T-G.
Other names: c.758A>C, p.Glu253Ala (NM_001318057.2, NM_001331035.2, NM_001375278.1 and 10 more transcripts); c.149A>C, p.Glu50Ala (NM_001375284.1); short protein forms E253A, E50A.
Identifiers: ClinVar variation 4280462 (VCV004280462.2).

ClinVar aggregate classification (germline): Uncertain significance (1 of 4 stars; one submission).

Conditions:
CFI-related disorder. Also called: CFI-related condition; CFI-related disorders. Identifiers: MedGen CN239325.

Submission:

Genomenon, Inc
Classification: Uncertain significance for CFI-related disorder. Last evaluated: 2026-09-17. Review status: criteria provided, single submitter. Criteria: Genomenon Sequence Variant Interpretation Standards - Updated. Collection method: curation. Allele origin: germline. Affected: no.
Comment: CFI p.Glu253Ala (c.758A>C) is a missense variant that changes the amino acid at codon 253 from Glutamic acid to Alanine. This variant has been reported in the published literature (PMID:37363824). This variant is located in a mutational hotspot and/or important functional domain. It is absent or not present at a significant frequency in gnomAD. In silico models predict that this variant is possibly or probably damaging. In conclusion, we classify CFI p.Glu253Ala (c.758A>C) as a variant of uncertain significance.

Literature cited by the submitters: PubMed 37363824.